The following is an entry in ClinVar:

ClinVar aggregate classification (germline): Pathogenic (1 of 4 stars; one submission).

Conditions:
Hereditary pheochromocytoma and paraganglioma. Also called: Hereditary Paraganglioma-Pheochromocytoma Syndromes; Hereditary paragangliomas and pheochromocytomas; Hereditary pheochromocytoma-paraganglioma. Identifiers: Orphanet 29072, MedGen C4274332, MONDO:0017366.

Submission:

Myriad Genetics, Inc.
Classification: Pathogenic for Hereditary pheochromocytoma and paraganglioma. Last evaluated: 2026-07-22. Review status: criteria provided, single submitter. Criteria: Myriad Autosomal Dominant, Autosomal Recessive and X-Linked Classification Criteria (2023). Collection method: clinical testing. Allele origin: unknown.
Comment: This variant is considered pathogenic. This variant creates a frameshift predicted to result in premature protein truncation.

NM_003001.5(SDHC):c.317del (p.Leu106fs)

Gene: SDHC (succinate dehydrogenase complex subunit C; plus strand). Cytogenetic location: 1q23.3.
Variant type: Deletion.
Coding change: c.317del on transcript NM_003001.5 (MANE Select); coding-DNA position 317, one base deleted (T; older notation c.317delT).
Protein change: p.Leu106fs; shifts the reading frame from leucine 106.
Molecular consequence: frameshift variant. On other transcripts: non-coding transcript variant (1), intron variant (3).
Genome position (GRCh38, 1-based): chr1:161,356,752, T deleted. VCF-style (leftmost placement, unchanged base first): chr1-161356751-CT-C. GRCh37 (hg19) VCF-style: chr1-161326541-CT-C.
Other names: c.215del, p.Leu72fs (NM_001035512.3); c.158del, p.Leu53fs (NM_001035513.3); c.437del, p.Leu146fs (NM_001407115.1); c.260del, p.Leu87fs (NM_001407116.1); c.254del, p.Leu85fs (NM_001407117.1); c.209del, p.Leu70fs (NM_001407118.1); c.206del, p.Leu69fs (NM_001407119.1, NM_001407120.1); c.242-5577del (NM_001035511.3); and 2 more; short protein forms L106fs, L146fs, L53fs, L69fs, L70fs, L72fs, L85fs, L87fs.
Identifiers: ClinVar variation 5042496 (VCV005042496.1).
Genomic context (GRCh38, chr1:161,356,751, plus strand): 5'-GGCATGTCGGCCCTGTTACTCCCTGGGAACTTTGAGTCTTATTTGGAACTTGTGAAGTCC[CT>C]GTGTCTGGGGCCAGCACTGATCCACACAGCTAAGTTTGCACTTGTCTTCCCTCTCATGTA-3'